The following is an entry in ClinVar:

ClinVar aggregate classification (germline): Likely benign (0 of 4 stars; one submission).

Conditions:
LEPR-related disorder. Also called: LEPR-related condition; LEPR-related disorders.

Submission:

PreventionGenetics, part of Exact Sciences
Classification: Likely benign for LEPR-related condition. Last evaluated: 2021-03-10. Review status: no assertion criteria provided. Collection method: clinical testing. Allele origin: germline.
Comment: This variant is classified as likely benign based on ACMG/AMP sequence variant interpretation guidelines (Richards et al. 2015 PMID: 25741868, with internal and published modifications).

NM_002303.6(LEPR):c.2271C>T (p.Ser757=)

Gene: LEPR (leptin receptor; plus strand). Cytogenetic location: 1p31.3.
Variant type: single nucleotide variant.
Coding change: c.2271C>T on transcript NM_002303.6 (MANE Select); coding-DNA position 2271, C replaced by T.
Protein change: p.Ser757=; no amino-acid change (serine 757 retained).
Molecular consequence: synonymous variant.
Genome position (GRCh38, 1-based): chr1:65,618,022, C>T. VCF-style: chr1-65618022-C-T. GRCh37 (hg19) VCF-style: chr1-66083705-C-T.
Other names: c.2271C>T, p.Ser757= (NM_001003679.3, NM_001003680.3, NM_001198687.2 and 2 more transcripts).
Identifiers: ClinVar variation 3358769 (VCV003358769.1).